The following is an entry in ClinVar:

NM_003238.6(TGFB2):c.526G>A (p.Asp176Asn)

Gene: TGFB2 (transforming growth factor beta 2; plus strand). Cytogenetic location: 1q41.
Variant type: single nucleotide variant.
Coding change: c.526G>A on transcript NM_003238.6 (MANE Select); coding-DNA position 526, G replaced by A.
Protein change: p.Asp176Asn; replaces aspartic acid 176 with asparagine.
Molecular consequence: missense variant. On other transcripts: non-coding transcript variant (2).
Genome position (GRCh38, 1-based): chr1:218,434,097, G>A. VCF-style: chr1-218434097-G-A. GRCh37 (hg19) VCF-style: chr1-218607439-G-A.
Other names: c.610G>A, p.Asp204Asn (NM_001135599.4); short protein forms D204N, D176N.
Identifiers: ClinVar variation 1746499 (VCV001746499.4), dbSNP rs1571901046, ClinGen allele CA344726451.
Genomic context (GRCh38, chr1:218,434,097, plus strand): 5'-CAGAATGCCAACTCAGCCTTTTCTCTTGCTCTTTTTCCCCTCCAGATTCTCAAGTCCAAA[G>A]ATTTAACATCTCCAACCCAGCGCTACATCGACAGCAAAGTTGTGAAAACAAGAGCAGAAG-3'
Protein context (NP_003229.1, residues 166-186): IELYQILKSK[Asp176Asn]LTSPTQRYID

ClinVar aggregate classification (germline): Uncertain significance. Review status: criteria provided, multiple submitters, no conflicts (2 of 4 stars). 2 submissions from 2 submitters: Uncertain significance (2). Last evaluated 2026-09-01.

Conditions:
Loeys-Dietz syndrome 4 (LDS4). Also called: ANEURYSM, AORTIC AND CEREBRAL, WITH ARTERIAL TORTUOSITY AND SKELETAL MANIFESTATIONS; TGFB2-Related Loeys-Dietz Syndrome. Identifiers: MedGen C3553762, MONDO:0013897, OMIM 614816.
Familial thoracic aortic aneurysm and aortic dissection (TAAD). Also called: Thoracic aortic aneurysms and dissections. Identifiers: Orphanet 91387, MedGen C4707243, MONDO:0019625.

Allele frequency attached by ClinVar (database versions not stated): gnomAD 0.00001; gnomAD exomes 0.00001; TOPMed below 0.00001.
gnomAD v4.1: 11 of 1,613,898 alleles (0.00068%); highest among the groups gnomAD compares: Non-Finnish European, 0.00093%; no homozygotes.

Submissions (2):

Ambry Genetics
Classification: Uncertain significance for Familial thoracic aortic aneurysm and aortic dissection. Last evaluated: 2026-09-01. Review status: criteria provided, single submitter. Criteria: Ambry Variant Classification Scheme 2023. Collection method: clinical testing. Allele origin: germline.

Labcorp Genetics (formerly Invitae), Labcorp
Classification: Uncertain significance for Loeys-Dietz syndrome 4. Last evaluated: 2025-12-14. Review status: criteria provided, single submitter. Criteria: Invitae Variant Classification Sherloc (09022015). Collection method: clinical testing. Allele origin: germline.
Comment: This sequence change replaces aspartic acid, which is acidic and polar, with asparagine, which is neutral and polar, at codon 176 of the TGFB2 protein (p.Asp176Asn). This variant is not present in population databases (gnomAD no frequency). This variant has not been reported in the literature in individuals affected with TGFB2-related conditions. ClinVar contains an entry for this variant (Variation ID: 1746499). Invitae Evidence Modeling of protein sequence and biophysical properties (such as structural, functional, and spatial information, amino acid conservation, physicochemical variation, residue mobility, and thermodynamic stability) indicates that this missense variant is not expected to disrupt TGFB2 protein function with a negative predictive value of 95%. In summary, the available evidence is currently insufficient to determine the role of this variant in disease. Therefore, it has been classified as a Variant of Uncertain Significance.